The following is an entry in ClinVar:

ClinVar aggregate classification (germline): Uncertain significance. Review status: criteria provided, multiple submitters, no conflicts (2 of 4 stars). 2 submissions from 2 submitters: Uncertain significance (2). Last evaluated 2026-01-06.

Conditions:
Inborn genetic diseases. Identifiers: MedGen C0950123, MeSH D030342.

Submissions (2):

Labcorp Genetics (formerly Invitae), Labcorp
Classification: Uncertain significance. Last evaluated: 2026-01-06. Review status: criteria provided, single submitter. Criteria: Invitae Variant Classification Sherloc (09022015). Collection method: clinical testing. Allele origin: germline.
Comment: This sequence change replaces proline, which is neutral and non-polar, with serine, which is neutral and polar, at codon 83 of the KDM1A protein (p.Pro83Ser). This variant is not present in population databases (gnomAD no frequency). This variant has not been reported in the literature in individuals affected with KDM1A-related conditions. ClinVar contains an entry for this variant (Variation ID: 3863252). An algorithm developed to predict the effect of missense changes on protein structure and function (PolyPhen-2) suggests that this variant is likely to be tolerated. In summary, the available evidence is currently insufficient to determine the role of this variant in disease. Therefore, it has been classified as a Variant of Uncertain Significance.

Ambry Genetics
Classification: Uncertain significance for Inborn genetic diseases. Last evaluated: 2025-01-06. Review status: criteria provided, single submitter. Criteria: Ambry Variant Classification Scheme 2023. Collection method: clinical testing. Allele origin: germline.
Comment: The p.P83S variant (also known as c.247C>T), located in coding exon 1 of the KDM1A gene, results from a C to T substitution at nucleotide position 247. The proline at codon 83 is replaced by serine, an amino acid with similar properties. This amino acid position is conserved. In addition, this alteration is predicted to be tolerated by in silico analysis. Based on the available evidence, the clinical significance of this variant remains unclear.

NM_001009999.3(KDM1A):c.247C>T (p.Pro83Ser)

Gene: KDM1A (lysine demethylase 1A; plus strand). Cytogenetic location: 1p36.12.
Variant type: single nucleotide variant.
Coding change: c.247C>T on transcript NM_001009999.3 (MANE Select); coding-DNA position 247, C replaced by T.
Protein change: p.Pro83Ser; replaces proline 83 with serine.
Molecular consequence: missense variant.
Genome position (GRCh38, 1-based): chr1:23,019,843, C>T. VCF-style: chr1-23019843-C-T. GRCh37 (hg19) VCF-style: chr1-23346336-C-T.
Other names: c.247C>T, p.Pro83Ser (NM_001363654.2, NM_001410762.1, NM_001410763.1 and 1 more transcripts); short protein forms P83S.
Identifiers: ClinVar variation 3863252 (VCV003863252.2).